The following is an entry in ClinVar:

NM_000091.5(COL4A3):c.3734G>A (p.Gly1245Asp)

Genes: COL4A3 (collagen type IV alpha 3 chain; plus strand), MFF-DT (MFF divergent transcript; minus strand). Cytogenetic location: 2q36.3.
Variant type: single nucleotide variant.
Coding change: c.3734G>A on transcript NM_000091.5 (MANE Select); coding-DNA position 3734, G replaced by A.
Protein change: p.Gly1245Asp; replaces glycine 1245 with aspartic acid.
Molecular consequence: missense variant.
Genome position (GRCh38, 1-based): chr2:227,297,842, G>A. VCF-style: chr2-227297842-G-A. GRCh37 (hg19) VCF-style: chr2-228162558-G-A.
Other names: short protein forms G1245D.
Identifiers: ClinVar variation 1481911 (VCV001481911.8), dbSNP rs1275973987, ClinGen allele CA350860504.

ClinVar aggregate classification (germline): Uncertain significance (1 of 4 stars; one submission).

Submission:

Labcorp Genetics (formerly Invitae), Labcorp
Classification: Uncertain significance. Last evaluated: 2021-06-06. Review status: criteria provided, single submitter. Criteria: Invitae Variant Classification Sherloc (09022015). Collection method: clinical testing. Allele origin: germline.
Comment: In summary, the available evidence is currently insufficient to determine the role of this variant in disease. Therefore, it has been classified as a Variant of Uncertain Significance. Advanced modeling of protein sequence and biophysical properties (such as structural, functional, and spatial information, amino acid conservation, physicochemical variation, residue mobility, and thermodynamic stability) performed at Invitae indicates that this missense variant is expected to disrupt COL4A3 protein function. This variant has not been reported in the literature in individuals with COL4A3-related conditions. This variant is not present in population databases (ExAC no frequency). This sequence change replaces glycine with aspartic acid at codon 1245 of the COL4A3 protein (p.Gly1245Asp). The glycine residue is highly conserved and there is a moderate physicochemical difference between glycine and aspartic acid.